The following is an entry in ClinVar:

ClinVar aggregate classification (germline): Uncertain significance (1 of 4 stars; one submission).

Conditions:
Arrhythmogenic right ventricular dysplasia 10. Also called: Arrhythmogenic Right Ventricular Dysplasia/Cardiomyopathy10; ARRHYTHMOGENIC RIGHT VENTRICULAR DYSPLASIA, FAMILIAL, 10; Arrhythmogenic right ventricular dysplasia/cardiomyopathy, type 10. Identifiers: MedGen C1857777, MONDO:0012434, OMIM 610193.

gnomAD v4.1: 2 of 1,614,144 alleles (0.00012%); highest among the groups gnomAD compares: South Asian, 0.0022%; no homozygotes.

Submission:

Labcorp Genetics (formerly Invitae), Labcorp
Classification: Uncertain significance for Arrhythmogenic right ventricular dysplasia 10. Last evaluated: 2025-12-16. Review status: criteria provided, single submitter. Criteria: Invitae Variant Classification Sherloc (09022015). Collection method: clinical testing. Allele origin: germline.
Comment: This sequence change replaces serine, which is neutral and polar, with cysteine, which is neutral and slightly polar, at codon 883 of the DSG2 protein (p.Ser883Cys). This variant is present in population databases (rs371498622, gnomAD 0.003%). This variant has not been reported in the literature in individuals affected with DSG2-related conditions. Invitae Evidence Modeling of protein sequence and biophysical properties (such as structural, functional, and spatial information, amino acid conservation, physicochemical variation, residue mobility, and thermodynamic stability) indicates that this missense variant is not expected to disrupt DSG2 protein function with a negative predictive value of 95%. In summary, the available evidence is currently insufficient to determine the role of this variant in disease. Therefore, it has been classified as a Variant of Uncertain Significance.

NM_001943.5(DSG2):c.2648C>G (p.Ser883Cys)

Genes: DSG2 (desmoglein 2; plus strand), DSG2-AS1 (DSG2 antisense RNA 1; minus strand). Cytogenetic location: 18q12.1.
Variant type: single nucleotide variant.
Coding change: c.2648C>G on transcript NM_001943.5 (MANE Select); coding-DNA position 2648, C replaced by G.
Protein change: p.Ser883Cys; replaces serine 883 with cysteine.
Molecular consequence: missense variant.
Genome position (GRCh38, 1-based): chr18:31,546,034, C>G. VCF-style: chr18-31546034-C-G. GRCh37 (hg19) VCF-style: chr18-29125997-C-G.
Other names: short protein forms S883C.
Identifiers: ClinVar variation 4777239 (VCV004777239.1).